The following is an entry in ClinVar:

NM_016203.4(PRKAG2):c.228C>A (p.Phe76Leu)

Gene: PRKAG2 (protein kinase AMP-activated non-catalytic subunit gamma 2; minus strand). Cytogenetic location: 7q36.1.
Variant type: single nucleotide variant.
Coding change: c.228C>A on transcript NM_016203.4 (MANE Select); coding-DNA position 228, C replaced by A.
Protein change: p.Phe76Leu; replaces phenylalanine 76 with leucine.
Molecular consequence: missense variant. On other transcripts: intron variant (1).
Genome position (GRCh38, 1-based): chr7:151,781,390, G>T on the plus strand (C>A on the coding strand, the complement: PRKAG2 is on the minus strand). VCF-style: chr7-151781390-G-T. GRCh37 (hg19) VCF-style: chr7-151478476-G-T.
Other names: c.96C>A, p.Phe32Leu (NM_001040633.2, NM_001407024.1, NM_001407026.1 and 2 more transcripts); c.228C>A, p.Phe76Leu (NM_001407021.1, NM_001407022.1, NM_001407023.1 and 2 more transcripts); c.148+33026C>A (NM_001407032.1); short protein forms F32L, F76L.
Identifiers: ClinVar variation 4990325 (VCV004990325.1).

ClinVar aggregate classification (germline): Uncertain significance (1 of 4 stars; one submission).

Conditions:
PRKAG2-related disorder. Also called: PRKAG2-related disorders; PRKAG2-related condition.

Submission:

PreventionGenetics, part of Exact Sciences
Classification: Uncertain significance for PRKAG2-related condition. Last evaluated: 2025-05-13. Review status: criteria provided, single submitter. Criteria: ACMG Guidelines, 2015. Collection method: clinical testing. Allele origin: germline.
Comment: The PRKAG2 c.228C>A variant is predicted to result in the amino acid substitution p.Phe76Leu. To our knowledge, this variant has not been reported in the literature or in a large population database (gnomAD), indicating this variant is rare. At this time, the clinical significance of this variant is uncertain due to the absence of conclusive functional and genetic evidence.